The following is an entry in ClinVar:

NM_206933.4(USH2A):c.12724A>G (p.Thr4242Ala)

Gene: USH2A (usherin; minus strand). Cytogenetic location: 1q41.
Variant type: single nucleotide variant.
Coding change: c.12724A>G on transcript NM_206933.4 (MANE Select); coding-DNA position 12724, A replaced by G.
Protein change: p.Thr4242Ala; replaces threonine 4242 with alanine.
Molecular consequence: missense variant.
Genome position (GRCh38, 1-based): chr1:215,675,187, T>C on the plus strand (A>G on the coding strand, the complement: USH2A is on the minus strand). VCF-style: chr1-215675187-T-C. GRCh37 (hg19) VCF-style: chr1-215848529-T-C.
Other names: short protein forms T4242A.
Identifiers: ClinVar variation 970889 (VCV000970889.10), dbSNP rs140010020, ClinGen allele CA37412961.
Genomic context (GRCh38, chr1:215,675,187, plus strand): 5'-GTGCTTGCAATGTCCTCACCACATTCCAAGAGCTACAGGTATGCCCAGCTGAATTCCAAG[T>C]GTAGATTTTATATTCACACTGCGTCCATGGTTGCAAACCTGTGTCATTATACATAAATGT-3'
Protein context (NP_996816.3, residues 4232-4252): PWTQCEYKIY[Thr4242Ala]WNSAGHTCSS

ClinVar aggregate classification (germline): Conflicting classifications of pathogenicity. Review status: criteria provided, conflicting classifications (1 of 4 stars). 7 submissions from 6 submitters: Uncertain significance (5); Likely benign (1). 1 of the submissions does not count toward it. Last evaluated 2026-06-08.

Conditions:
Retinitis pigmentosa 39 (RP39). Identifiers: Orphanet 791, MedGen C3151138, MONDO:0013436, OMIM 613809.
USH2A-related disorder. Also called: USH2A-related disorders; USH2A-related condition. Identifiers: MedGen CN239332.
Usher syndrome type 2A. Also called: RETINAL DISEASE IN USHER SYNDROME TYPE IIA, MODIFIER OF; USHER SYNDROME, TYPE IIA. Identifiers: Orphanet 231178, Orphanet 886, MedGen C1848634, MONDO:0010169, OMIM 276901.

Allele frequency attached by ClinVar (database versions not stated): gnomAD exomes 0.00002; TOPMed 0.00002; ESP Exome Variant Server 0.00008; gnomAD 0.00002.
gnomAD v4.1: 66 of 1,613,940 alleles (0.0041%); highest among the groups gnomAD compares: Admixed American, 0.005%; no homozygotes.

Submissions (7):

PreventionGenetics, part of Exact Sciences
Classification: Uncertain significance for USH2A-related condition. Last evaluated: 2026-06-08. Review status: criteria provided, single submitter. Criteria: ACMG Guidelines, 2015. Collection method: clinical testing. Allele origin: germline.
Comment: The USH2A c.12724A>G variant is predicted to result in the amino acid substitution p.Thr4242Ala. To our knowledge, this variant has not been reported in the literature. This variant is reported in 0.012% of alleles in individuals of African descent in gnomAD. At this time, the clinical significance of this variant is uncertain due to the absence of conclusive functional and genetic evidence.

Genome-Nilou Lab
Classification: Uncertain significance for Retinitis pigmentosa 39. Last evaluated: 2023-11-04. Review status: criteria provided, single submitter. Criteria: ACMG Guidelines, 2015. Collection method: clinical testing. Allele origin: germline. Affected: no.

Genome-Nilou Lab
Classification: Uncertain significance for Usher syndrome type 2A. Last evaluated: 2023-11-04. Review status: criteria provided, single submitter. Criteria: ACMG Guidelines, 2015. Collection method: clinical testing. Allele origin: germline. Affected: no.

Labcorp Genetics (formerly Invitae), Labcorp
Classification: Uncertain significance. Last evaluated: 2023-10-13. Review status: criteria provided, single submitter. Criteria: Invitae Variant Classification Sherloc (09022015). Collection method: clinical testing. Allele origin: germline.
Comment: This sequence change replaces threonine, which is neutral and polar, with alanine, which is neutral and non-polar, at codon 4242 of the USH2A protein (p.Thr4242Ala). This variant is present in population databases (rs140010020, gnomAD 0.007%). This variant has not been reported in the literature in individuals affected with USH2A-related conditions. ClinVar contains an entry for this variant (Variation ID: 970889). Advanced modeling of protein sequence and biophysical properties (such as structural, functional, and spatial information, amino acid conservation, physicochemical variation, residue mobility, and thermodynamic stability) performed at Invitae indicates that this missense variant is not expected to disrupt USH2A protein function. In summary, the available evidence is currently insufficient to determine the role of this variant in disease. Therefore, it has been classified as a Variant of Uncertain Significance.

GeneDx
Classification: Uncertain significance. Last evaluated: 2023-05-16. Review status: criteria provided, single submitter. Criteria: GeneDx Variant Classification Process June 2021. Collection method: clinical testing. Allele origin: germline. Affected: yes.
Comment: In silico analysis supports that this missense variant does not alter protein structure/function; Has not been previously published as pathogenic or benign to our knowledge

Blueprint Genetics
Classification: Likely benign. Last evaluated: 2022-02-15. Review status: criteria provided, single submitter. Criteria: ACMG Guidelines, 2015. Collection method: clinical testing. Allele origin: germline.

Natera, Inc.
Classification: Uncertain significance for Usher syndrome type 2A. Last evaluated: 2020-08-24. Review status: no assertion criteria provided. Collection method: clinical testing. Allele origin: germline. Not counted in ClinVar's aggregate classification.